The following is an entry in ClinVar:

ClinVar aggregate classification (germline): Likely pathogenic (1 of 4 stars; one submission).

Conditions:
Microcephaly, normal intelligence and immunodeficiency (NBS). Also called: Ataxia telangiectasia variant V1; IMMUNODEFICIENCY, MICROCEPHALY, AND CHROMOSOMAL INSTABILITY; SEEMANOVA SYNDROME II; Immunodeficiency, microcephaly with normal intelligence; Nijmegen breakage syndrome; Microcephaly with normal intelligence immunodeficiency and lymphoreticular malignancies. Identifiers: Orphanet 647, MedGen C0398791, MONDO:0009623, OMIM 251260.

Submission:

Myriad Genetics, Inc.
Classification: Likely pathogenic for Microcephaly, normal intelligence and immunodeficiency. Last evaluated: 2021-12-30. Review status: criteria provided, single submitter. Criteria: Myriad Women's Health Autosomal Recessive and X-Linked Classification Criteria (2021). Collection method: clinical testing. Allele origin: unknown.
Comment: NM_002485.4(NBN):c.1689_1690delGG(E564Tfs*13) is expected to be pathogenic in the context of Nijmegen breakage syndrome. This variant is predicted to lead to an abnormal or absent protein product due to the creation of a premature termination codon in NBN, a gene where loss-of-function variants are known to be pathogenic. Please note: this variant was assessed in the context of healthy population screening.

NM_002485.5(NBN):c.1689_1690del (p.Glu564fs)

Gene: NBN (nibrin; minus strand). Cytogenetic location: 8q21.3.
Variant type: Deletion.
Coding change: c.1689_1690del on transcript NM_002485.5 (MANE Select); coding-DNA positions 1689 to 1690, 2 bases deleted (GG; older notation c.1689_1690delGG).
Protein change: p.Glu564fs; shifts the reading frame from glutamic acid 564.
Molecular consequence: frameshift variant.
Genome position (GRCh38, 1-based): chr8:89,953,399-89,953,400, CC deleted on the plus strand (GG on the coding strand, the reverse complement: NBN is on the minus strand). VCF-style (leftmost placement, unchanged base first): chr8-89953398-TCC-T. GRCh37 (hg19) VCF-style: chr8-90965626-TCC-T.
Other names: c.1443_1444del, p.Glu482fs (NM_001024688.3); short protein forms E482fs, E564fs.
Identifiers: ClinVar variation 1726677 (VCV001726677.2), dbSNP rs2488230409, ClinGen allele CA2580079006.